The following is an entry in ClinVar:

ClinVar aggregate classification (germline): Uncertain significance (1 of 4 stars; one submission).

Conditions:
Weaver syndrome (WVS). Also called: Weaver Smith syndrome; Overgrowth syndrome with accelerated skeletal maturation, unusual facies, and camptodactyly. Identifiers: Orphanet 3447, MedGen C0265210, MONDO:0010193, OMIM 277590.

Allele frequency attached by ClinVar (database versions not stated): ExAC 0.00001; gnomAD exomes 0.00001.
gnomAD v4.1: 3 of 1,614,120 alleles (0.00019%); highest among the groups gnomAD compares: Admixed American, 0.0017%; no homozygotes.

Submission:

Labcorp Genetics (formerly Invitae), Labcorp
Classification: Uncertain significance for Weaver syndrome. Last evaluated: 2018-06-29. Review status: criteria provided, single submitter. Criteria: Invitae Variant Classification Sherloc (09022015). Collection method: clinical testing. Allele origin: germline.
Comment: In summary, the available evidence is currently insufficient to determine the role of this variant in disease. Therefore, it has been classified as a Variant of Uncertain Significance. Algorithms developed to predict the effect of missense changes on protein structure and function are either unavailable or do not agree on the potential impact of this missense change (SIFT: "Tolerated"; PolyPhen-2: "Possibly Damaging"; Align-GVGD: "Class C0"). This variant has not been reported in the literature in individuals with EZH2-related disease. This variant is present in population databases (rs781431240, ExAC 0.001%). This sequence change replaces leucine with phenylalanine at codon 363 of the EZH2 protein (p.Leu363Phe). The leucine residue is moderately conserved and there is a small physicochemical difference between leucine and phenylalanine.

NM_004456.5(EZH2):c.1087C>T (p.Leu363Phe)

Gene: EZH2 (enhancer of zeste 2 polycomb repressive complex 2 subunit; minus strand). Cytogenetic location: 7q36.1.
Variant type: single nucleotide variant.
Coding change: c.1087C>T on transcript NM_004456.5 (MANE Select); coding-DNA position 1087, C replaced by T.
Protein change: p.Leu363Phe; replaces leucine 363 with phenylalanine.
Molecular consequence: missense variant.
Genome position (GRCh38, 1-based): chr7:148,818,030, G>A on the plus strand (C>T on the coding strand, the complement: EZH2 is on the minus strand). VCF-style: chr7-148818030-G-A. GRCh37 (hg19) VCF-style: chr7-148515122-G-A.
Other names: c.1045C>T, p.Leu349Phe (NM_001203249.2, NM_001203248.2); c.955C>T, p.Leu319Phe (NM_152998.3); c.1072C>T, p.Leu358Phe (NM_001203247.2); short protein forms L363F, L319F, L349F, L358F.
Identifiers: ClinVar variation 578272 (VCV000578272.9), dbSNP rs781431240, ClinGen allele CA4547963.
Genomic context (GRCh38, chr7:148,818,030, plus strand): 5'-TATCCTTTGATTCCAGCACATTAATGGTGGGGGTGCTGGGCCTGCTACTGTTATTGGGAA[G>A]CCGTCCTCTTCTGCGGCCTCCTGGACGTTTTGGTGGGGTCTTTATCCGCTCAGCGGTGAG-3'
Protein context (NP_004447.2, residues 353-373): KRPGGRRRGR[Leu363Phe]PNNSSRPSTP